The following is an entry in ClinVar:

NM_005198.5(CHKB):c.170T>G (p.Leu57Trp)

Genes: CHKB (choline kinase beta; minus strand), CHKB-CPT1B (CHKB-CPT1B readthrough (NMD candidate); minus strand). Cytogenetic location: 22q13.33.
Variant type: single nucleotide variant.
Coding change: c.170T>G on transcript NM_005198.5 (MANE Select); coding-DNA position 170, T replaced by G.
Protein change: p.Leu57Trp; replaces leucine 57 with tryptophan.
Molecular consequence: missense variant. On other transcripts: non-coding transcript variant (1).
Genome position (GRCh38, 1-based): chr22:50,582,612, A>C on the plus strand (T>G on the coding strand, the complement: CHKB is on the minus strand). VCF-style: chr22-50582612-A-C. GRCh37 (hg19) VCF-style: chr22-51021041-A-C.
Other names: short protein forms L57W.
Identifiers: ClinVar variation 1500889 (VCV001500889.8), dbSNP rs1460255059, ClinGen allele CA412203253.

ClinVar aggregate classification (germline): Uncertain significance (1 of 4 stars; one submission).

Conditions:
Megaconial type congenital muscular dystrophy (MDCMC). Also called: CHKB-Related Muscular Dystrophy; MUSCULAR DYSTROPHY, CONGENITAL, WITH MITOCHONDRIAL STRUCTURAL ABNORMALITIES; CHKB-Related Muscle Diseases. Identifiers: Orphanet 280671, MedGen C1865233, MONDO:0011246, OMIM 602541.

Allele frequency attached by ClinVar (database versions not stated): gnomAD exomes 0.00001.
gnomAD v4.1: 3 of 1,610,984 alleles (0.00019%); no homozygotes.

Submission:

Labcorp Genetics (formerly Invitae), Labcorp
Classification: Uncertain significance for Megaconial type congenital muscular dystrophy. Last evaluated: 2021-06-23. Review status: criteria provided, single submitter. Criteria: Invitae Variant Classification Sherloc (09022015). Collection method: clinical testing. Allele origin: germline.
Comment: This variant has not been reported in the literature in individuals with CHKB-related conditions. Algorithms developed to predict the effect of missense changes on protein structure and function are either unavailable or do not agree on the potential impact of this missense change (SIFT: "Deleterious"; PolyPhen-2: "Probably Damaging"; Align-GVGD: "Class C0"). In summary, the available evidence is currently insufficient to determine the role of this variant in disease. Therefore, it has been classified as a Variant of Uncertain Significance. This variant is not present in population databases (ExAC no frequency). This sequence change replaces leucine with tryptophan at codon 57 of the CHKB protein (p.Leu57Trp). The leucine residue is highly conserved and there is a small physicochemical difference between leucine and tryptophan.